The following is an entry in ClinVar:

NM_001267550.2(TTN):c.90706G>T (p.Glu30236Ter)

Genes: TTN (titin; minus strand), TTN-AS1 (TTN antisense RNA 1; plus strand). Cytogenetic location: 2q31.2.
Variant type: single nucleotide variant.
Coding change: c.90706G>T on transcript NM_001267550.2 (MANE Select); coding-DNA position 90706, G replaced by T.
Protein change: p.Glu30236Ter; replaces glutamic acid 30236 with a stop codon.
Molecular consequence: nonsense.
Genome position (GRCh38, 1-based): chr2:178,552,194, C>A on the plus strand (G>T on the coding strand, the complement: TTN is on the minus strand). VCF-style: chr2-178552194-C-A. GRCh37 (hg19) VCF-style: chr2-179416921-C-A.
Other names: c.85783G>T, p.Glu28595Ter (NM_001256850.1); c.63511G>T, p.Glu21171Ter (NM_003319.4); c.83002G>T, p.Glu27668Ter (NM_133378.4); c.63886G>T, p.Glu21296Ter (NM_133432.3); c.64087G>T, p.Glu21363Ter (NM_133437.4); c.90706G>T (NM_001267550.1); short protein forms E30236*, E21363*, E21296*, E21171*, E27668*, E28595*.
Identifiers: ClinVar variation 520476 (VCV000520476.3), dbSNP rs974510652, ClinGen allele CA349507301.
Genomic context (GRCh38, chr2:178,552,194, plus strand): 5'-CTCCTCCTCCATTATCTTCAGGTACATCCCATGACAGGATGACACTATCAGCCTTGATTT[C>A]ATCAAATCGAATGGGTCCTTTGGGCTTTGATGGTGGGCCAAGGGTGATGACTGTAATGGG-3'

ClinVar aggregate classification (germline): Pathogenic/Likely pathogenic. Review status: criteria provided, multiple submitters, no conflicts (2 of 4 stars). 2 submissions from 2 submitters: Pathogenic (1); Likely pathogenic (1). Last evaluated 2025-06-22.

Conditions:
Primary familial dilated cardiomyopathy (FDC). Also called: Familial dilated cardiomyopathy; Hypokinetic dilated cardiomyopathy, familial. Identifiers: Orphanet 217607, MedGen C0340427, MONDO:0016333.

Submissions (2):

GeneDx
Classification: Likely pathogenic. Last evaluated: 2025-06-22. Review status: criteria provided, single submitter. Criteria: GeneDx Variant Classification Process June 2021. Collection method: clinical testing. Allele origin: germline. Affected: yes.
Comment: Nonsense variant predicted to result in protein truncation or nonsense mediated decay in a gene for which loss of function is a known mechanism of disease; Located in the A-band, a region of TTN for which truncating variants are significantly associated with autosomal dominant cardiomyopathy and also with autosomal recessive skeletal myopathies (PMID: 22335739, 32778822); Not observed at significant frequency in large population cohorts (gnomAD); Has not been previously published as pathogenic or benign to our knowledge; This variant is associated with the following publications: (PMID: 22335739, 32778822)

Molecular Diagnostic Laboratory for Inherited Cardiovascular Disease, Montreal Heart Institute
Classification: Pathogenic for Primary familial dilated cardiomyopathy. Last evaluated: 2016-07-30. Review status: criteria provided, single submitter. Criteria: ACMG Guidelines, 2015. Collection method: clinical testing. Allele origin: germline. Affected: yes.